The following is an entry in ClinVar:

ClinVar aggregate classification (germline): Uncertain significance. Review status: criteria provided, multiple submitters, no conflicts (2 of 4 stars). 2 submissions from 2 submitters: Uncertain significance (2). Last evaluated 2023-12-14.

Conditions:
Hereditary cancer-predisposing syndrome. Also called: Hereditary neoplastic syndrome; Hereditary Cancer Syndrome; Neoplastic Syndromes, Hereditary; Tumor predisposition. Identifiers: Orphanet 140162, MedGen C0027672, MeSH D009386, MONDO:0015356.
DICER1-related tumor predisposition. Also called: DICER1-related pleuropulmonary blastoma cancer predisposition syndrome; DICER1 syndrome. Identifiers: Orphanet 284343, MedGen C3839822, MONDO:0100216.

Submissions (2):

Ambry Genetics
Classification: Uncertain significance for Hereditary cancer-predisposing syndrome. Last evaluated: 2023-12-14. Review status: criteria provided, single submitter. Criteria: Ambry Variant Classification Scheme 2023. Collection method: clinical testing. Allele origin: germline.
Comment: The p.H38L variant (also known as c.113A>T), located in coding exon 1 of the DICER1 gene, results from an A to T substitution at nucleotide position 113. The histidine at codon 38 is replaced by leucine, an amino acid with similar properties. This amino acid position is conserved. In addition, the in silico prediction for this alteration is inconclusive. Since supporting evidence is limited at this time, the clinical significance of this alteration remains unclear.

Labcorp Genetics (formerly Invitae), Labcorp
Classification: Uncertain significance for DICER1-related tumor predisposition. Last evaluated: 2023-05-07. Review status: criteria provided, single submitter. Criteria: Invitae Variant Classification Sherloc (09022015). Collection method: clinical testing. Allele origin: germline.
Comment: In summary, the available evidence is currently insufficient to determine the role of this variant in disease. Therefore, it has been classified as a Variant of Uncertain Significance. Advanced modeling of protein sequence and biophysical properties (such as structural, functional, and spatial information, amino acid conservation, physicochemical variation, residue mobility, and thermodynamic stability) performed at Invitae indicates that this missense variant is not expected to disrupt DICER1 protein function. This variant has not been reported in the literature in individuals affected with DICER1-related conditions. This variant is not present in population databases (gnomAD no frequency). This sequence change replaces histidine, which is basic and polar, with leucine, which is neutral and non-polar, at codon 38 of the DICER1 protein (p.His38Leu).

NM_177438.3(DICER1):c.113A>T (p.His38Leu)

Gene: DICER1 (dicer 1, ribonuclease III; minus strand). Cytogenetic location: 14q32.13.
Variant type: single nucleotide variant.
Coding change: c.113A>T on transcript NM_177438.3 (MANE Select); coding-DNA position 113, A replaced by T.
Protein change: p.His38Leu; replaces histidine 38 with leucine.
Molecular consequence: missense variant. On other transcripts: 5 prime UTR variant (8), non-coding transcript variant (6), intron variant (1).
Genome position (GRCh38, 1-based): chr14:95,133,346, T>A on the plus strand (A>T on the coding strand, the complement: DICER1 is on the minus strand). VCF-style: chr14-95133346-T-A. GRCh37 (hg19) VCF-style: chr14-95599683-T-A.
Other names: c.113A>T, p.His38Leu (NM_001195573.1, NM_001271282.3, NM_001291628.2 and 15 more transcripts); c.-162A>T (NM_001395686.1, NM_001395688.1, NM_001395689.1 and 3 more transcripts); c.-346A>T (NM_001395691.1); c.-1456A>T (NM_001395697.1); c.-130-669A>T (NM_001395687.1); short protein forms H38L.
Identifiers: ClinVar variation 2862449 (VCV002862449.4), dbSNP rs1595468669, ClinGen allele CA390890443.